The following is an entry in ClinVar:

ClinVar aggregate classification (germline): Conflicting classifications of pathogenicity. Review status: criteria provided, conflicting classifications (1 of 4 stars). 4 submissions from 4 submitters: Likely pathogenic (3); Uncertain significance (1). Last evaluated 2026-01-12.

Conditions:
Hereditary cancer-predisposing syndrome. Also called: Neoplastic Syndromes, Hereditary; Hereditary Cancer Syndrome; Hereditary neoplastic syndrome; Tumor predisposition. Identifiers: Orphanet 140162, MedGen C0027672, MeSH D009386, MONDO:0015356.
Hereditary breast ovarian cancer syndrome. Also called: Hereditary breast and ovarian cancer syndrome; Hereditary breast and/or ovarian cancer syndrome; Breast and ovarian cancer; BRCA1- and BRCA2-Associated Hereditary Breast and Ovarian Cancer; Hereditary breast and ovarian cancer; Hereditary breast and ovarian cancer syndrome (HBOC). Identifiers: Orphanet 145, MedGen C0677776, MeSH D061325, MONDO:0003582. Disease mechanism: loss of function.
Fanconi anemia complementation group D1. Also called: BRCA2-Related Fanconi Anemia. Identifiers: Orphanet 319462, MedGen C1838457, MONDO:0011584, OMIM 605724.

Submissions (4):

Labcorp Genetics (formerly Invitae), Labcorp
Classification: Likely pathogenic for Hereditary breast ovarian cancer syndrome. Last evaluated: 2026-01-12. Review status: criteria provided, single submitter. Criteria: Invitae Variant Classification Sherloc (09022015). Collection method: clinical testing. Allele origin: germline.
Comment: This variant occurs in a non-coding region of the BRCA2 gene. It does not change the encoded amino acid sequence of the BRCA2 protein. This variant is not present in population databases (gnomAD no frequency). Disruption of this splice site has been observed in individual(s) with clinical features of Fanconi anemia (PMID: 24395671, 38685107). In at least one individual the data is consistent with being in trans (on the opposite chromosome) from a pathogenic variant. ClinVar contains an entry for this variant (Variation ID: 643446). Algorithms developed to predict the effect of variants on gene product structure and function are not available or were not evaluated for this variant. Experimental studies have shown that disruption of this splice site affects BRCA2 function (PMID: 24395671). Studies have shown that disruption of this splice site is associated with altered splicing resulting in alteration to a non-coding region of the gene (PMID: 24395671). In summary, the currently available evidence indicates that the variant is pathogenic, but additional data are needed to prove that conclusively. Therefore, this variant has been classified as Likely Pathogenic.

Ambry Genetics
Classification: Likely pathogenic for Hereditary cancer-predisposing syndrome. Last evaluated: 2025-05-16. Review status: criteria provided, single submitter. Criteria: Ambry Variant Classification Scheme 2023. Collection method: clinical testing. Allele origin: germline.
Comment: The c.-40+2T>C intronic variant is located in the 5' untranslated region (5&rsquo; UTR) of the BRCA2 gene. This intronic variant results from a T to C substitution two nucleotides after the first non-coding exon. This variant has been identified in an individual reported with Fanconi anemia (Kastellan S et al. J Hematol Oncol 2024 Apr;17(1):26). A close match alteration, BRCA2 c.-40+1G>A, was identified in trans in a patient with Fanconi anemia. Further analyses of the close-match variant demonstrated near-haploinsufficiency for the BRCA2 transcript with a barely detectable level of expression of an aberrant transcript impacting only the 5'UTR. This implies that the transcript from one allele is largely lost. In addition, this variant, when introduced into BAC clones, resulted in increased sensitivity to numerous DNA damaging agents further supporting it as causal (Ikeda H et al. Cancer Res., 2003 May;63:2688-94; Bakker JL et al. Hum. Mutat., 2014 Apr;35:442-6). RNA studies have demonstrated that this alteration results in abnormal splicing in the set of samples tested (Ambry internal data). This nucleotide position is highly conserved in available vertebrate species. In silico splice site analysis predicts that this alteration will weaken the native splice donor site. Based on the majority of available evidence to date, this variant is likely to be pathogenic. However, as this variant has been identified in one or more patients with Fanconi anemia it may be hypomorphic and thus, carriers of this variant and their families may present with reduced risks, and not with the typical clinical characteristics of a high-risk pathogenic BRCA2 alteration. As risk estimates are unknown at this time, clinical correlation is advised.

German Consortium for Hereditary Breast and Ovarian Cancer, University Hospital Cologne
Classification: Uncertain significance for Hereditary breast ovarian cancer syndrome. Last evaluated: 2024-05-03. Review status: criteria provided, single submitter. Criteria: ClinGen BRCA2 V1.0.0. Collection method: curation. Allele origin: germline.
Comment: According to the ClinGen ENIGMA BRCA2 v1.0.0 criteria we chose these criteria: PS1 (supporting pathogenic): BRCA2 c.-40+1G>A was identified in trans in a patient with Fanconi Anemia; RNA studies have demonstrated that this alteration results a similar transcript pattern as is described for close match BRCA2 c.-40+1G>A in the set of samples tested (Ambry internal data)., PM2 (supporting pathogenic): Absent from controls, PM3 (medium pathogenic): Fanconi Anemia (FA) in Berlin 2 siblings compound heterozygous with FA in childhood

Institute for Medical Genetics and Human Genetics, Charité - Universitätsmedizin Berlin
Classification: Likely pathogenic for Fanconi anemia complementation group D1. Review status: criteria provided, single submitter. Criteria: ACMG Guidelines, 2015. Collection method: not provided. Allele origin: germline. Inheritance: Autosomal recessive inheritance. Affected: yes.

Literature cited by the submitters: PubMed 24395671 (cited by Labcorp Genetics (formerly Invitae), Labcorp and Ambry Genetics); PubMed 38685107 (cited by Labcorp Genetics (formerly Invitae), Labcorp and Ambry Genetics); PubMed 12750298 (cited by Ambry Genetics); PubMed 29236234 (cited by Ambry Genetics); PubMed 29766361 (cited by Ambry Genetics); PubMed 29860059 (cited by Ambry Genetics).

NM_000059.4(BRCA2):c.-40+2T>C

Genes: BRCA2 (BRCA2 DNA repair associated; plus strand), LOC106721785 (BRCA2 promoter/silencer region; plus strand). Cytogenetic location: 13q13.1.
Variant type: single nucleotide variant.
Coding change: c.-40+2T>C on transcript NM_000059.4 (MANE Select); the canonical splice donor site of the intron after 40 bases upstream of the start codon, T replaced by C.
Molecular consequence: splice donor variant.
Genome position (GRCh38, 1-based): chr13:32,315,669, T>C. VCF-style: chr13-32315669-T-C. GRCh37 (hg19) VCF-style: chr13-32889806-T-C.
Other names: c.-40+2T>C (NM_001406720.1, NM_001406719.1, NM_001406721.1); c.-303+2T>C (NM_001406722.1).
Identifiers: ClinVar variation 643446 (VCV000643446.13), dbSNP rs1593879845, ClinGen allele CA915946915.
Genomic context (GRCh38, chr13:32,315,669, plus strand): 5'-GACCGGCGCGGTTTTTGTCAGCTTACTCCGGCCAAAAAAGAACTGCACCTCTGGAGCGGG[T>C]TAGTGGTGGTGGTAGTGGGTTGGGACGAGCGCGTCTTCCGCAGTCCCAGTCCAGCGTGGC-3'